The following is an entry in ClinVar:

NM_020442.6(VARS2):c.-28+61_-28+66del

Gene: VARS2 (valyl-tRNA synthetase 2, mitochondrial; plus strand). Cytogenetic location: 6p21.33.
Variant type: Deletion.
Coding change: c.-28+61_-28+66del on transcript NM_020442.6 (MANE Select); bases 61 to 66 of the intron after 28 bases upstream of the start codon, 6 bases deleted (CCTTGG; older notation c.-28+61_-28+66delCCTTGG).
Molecular consequence: intron variant. On other transcripts: 5 prime UTR variant (1).
Genome position (GRCh38, 1-based): chr6:30,914,405-30,914,410, CCTTGG deleted; deleting any 6 consecutive bases within chr6:30,914,403-30,914,410 gives the same sequence; the c. name uses the placement nearest the transcript's 3' end. VCF-style (leftmost placement, unchanged base first): chr6-30914402-AGGCCTT-A. GRCh37 (hg19) VCF-style: chr6-30882179-AGGCCTT-A.
Other names: c.-7_-2del (NM_001167734.2); c.-220+61_-220+66del (NM_001167733.3).
Identifiers: ClinVar variation 4082630 (VCV004082630.1).
Genomic context (GRCh38, chr6:30,914,402, plus strand): 5'-CTGGTGAGCGCGCGCCGGGGCGGCCTCCGGGAAGTGGGAGACGCTGCGGGTCCTGGGCCC[AGGCCTT>A]GGGATGGGCGGGAAGGCTTGGCCGCGCCGGGCTGTGGGCACTGCAGGAGGCCCCTGTGCA-3'

ClinVar aggregate classification (germline): Uncertain significance (1 of 4 stars; one submission).

Submission:

GeneDx
Classification: Uncertain significance. Last evaluated: 2025-03-11. Review status: criteria provided, single submitter. Criteria: GeneDx Variant Classification Process June 2021. Collection method: clinical testing. Allele origin: germline. Affected: yes.
Comment: Not observed at significant frequency in large population cohorts (gnomAD); Has not been previously published as pathogenic or benign to our knowledge; Located in a regulatory region; in the absence of functional studies, the actual effect of this sequence change is unknown